The following is an entry in ClinVar:

ClinVar aggregate classification (germline): Conflicting classifications of pathogenicity. Review status: criteria provided, conflicting classifications (1 of 4 stars). 4 submissions from 4 submitters: Uncertain significance (3); Likely benign (1). Last evaluated 2026-06-11.

Conditions:
LRP5-related disorder. Also called: LRP5-related condition.
Osteogenesis imperfecta (OI). Identifiers: Orphanet 666, MedGen C0029434, MeSH D010013, MONDO:0019019.

Allele frequency attached by ClinVar (database versions not stated): gnomAD 0.00001 and 0.00009; TOPMed 0.00001; gnomAD exomes 0.00016 and 0.00037; ExAC 0.00041; 1000 Genomes Project 30x 0.00094; 1000 Genomes Project 0.00100.
gnomAD v4.1: 254 of 1,613,996 alleles (0.016%); highest among the groups gnomAD compares: South Asian, 0.25%; no homozygotes.

Submissions (4):

PreventionGenetics, part of Exact Sciences
Classification: Uncertain significance for LRP5-related condition. Last evaluated: 2026-06-11. Review status: criteria provided, single submitter. Criteria: ACMG Guidelines, 2015. Collection method: clinical testing. Allele origin: germline.
Comment: The LRP5 c.4550A>G variant is predicted to result in the amino acid substitution p.Tyr1517Cys. This variant has been reported in parent and child with familial exudative vitreoretinopathy (Zhang et al. 2016. PubMed ID: 27228167). This variant is reported in 0.29% of alleles in individuals of South Asian descent in gnomAD. Although we suspect that this variant may be benign, at this time, the clinical significance of this variant is uncertain due to the absence of conclusive functional and genetic evidence.

Labcorp Genetics (formerly Invitae), Labcorp
Classification: Likely benign. Last evaluated: 2026-01-15. Review status: criteria provided, single submitter. Criteria: Invitae Variant Classification Sherloc (09022015). Collection method: clinical testing. Allele origin: germline.

Genetic Services Laboratory, University of Chicago
Classification: Uncertain significance. Last evaluated: 2024-08-26. Review status: criteria provided, single submitter. Criteria: ACMG Guidelines, 2015. Collection method: clinical testing. Allele origin: germline. Affected: no.
Comment: DNA sequence analysis of the LRP5 gene demonstrated a sequence change, c.4550A>G, in exon 22 that results in an amino acid change, p.Tyr1517Cys. This sequence change has been previously described in the homozygous state two individuals from the same family affected with familial exudative vitreoretinopathy (PMID: 27228167). A functional study of this variant indicates that this variant may inactivate the LRP5 protein (PMID: 27228167). This sequence change has been described in the gnomAD database with a frequency of 0.25% in the South Asian subpopulation (dbSNP rs201030241). The p.Tyr1517Cys change affects a highly conserved amino acid residue located in a domain of the LRP5 protein that is known to be functional. The p.Tyr1517Cys substitution appears to be deleterious using several in-silico pathogenicity prediction tools (SIFT, PolyPhen2, Align GVGD, REVEL). Due to insufficient evidence and the lack of functional studies, the clinical significance of the p.Tyr1517Cys change remains unknown at this time.

Genome Diagnostics Laboratory, The Hospital for Sick Children
Classification: Uncertain significance for Osteogenesis imperfecta. Last evaluated: 2020-11-06. Review status: criteria provided, single submitter. Criteria: ACMG Guidelines, 2015. Collection method: clinical testing. Allele origin: germline.

NM_002335.4(LRP5):c.4550A>G (p.Tyr1517Cys)

Gene: LRP5 (LDL receptor related protein 5; plus strand). Cytogenetic location: 11q13.2.
Variant type: single nucleotide variant.
Coding change: c.4550A>G on transcript NM_002335.4 (MANE Select); coding-DNA position 4550, A replaced by G.
Protein change: p.Tyr1517Cys; replaces tyrosine 1517 with cysteine.
Molecular consequence: missense variant.
Genome position (GRCh38, 1-based): chr11:68,446,497, A>G. VCF-style: chr11-68446497-A-G. GRCh37 (hg19) VCF-style: chr11-68213965-A-G.
Other names: c.2807A>G, p.Tyr936Cys (NM_001291902.2); short protein forms Y1517C, Y936C.
Identifiers: ClinVar variation 1144008 (VCV001144008.15), dbSNP rs201030241, ClinGen allele CA6150423.